The following is an entry in ClinVar:

NM_005591.4(MRE11):c.685A>G (p.Ile229Val)

Gene: MRE11 (MRE11 double strand break repair nuclease; minus strand). Cytogenetic location: 11q21.
Variant type: single nucleotide variant.
Coding change: c.685A>G on transcript NM_005591.4 (MANE Select); coding-DNA position 685, A replaced by G.
Protein change: p.Ile229Val; replaces isoleucine 229 with valine.
Molecular consequence: missense variant.
Genome position (GRCh38, 1-based): chr11:94,471,734, T>C on the plus strand (A>G on the coding strand, the complement: MRE11 is on the minus strand). VCF-style: chr11-94471734-T-C. GRCh37 (hg19) VCF-style: chr11-94204900-T-C.
Other names: c.685A>G, p.Ile229Val (NM_001330347.2, NM_005590.4); short protein forms I229V.
Identifiers: ClinVar variation 3874345 (VCV003874345.1).
Genomic context (GRCh38, chr11:94,471,734, plus strand): 5'-ACTCATGTTCATGGCCCCAGATAACAAGATCAATGAAGTCATCCAAAAATTGTTCTGGAA[T>C]GAAGTTAGTACTTCCATGTTTACTCCTGTATCAAGATTTTGAAAAATATAAATTCGGTGA-3'
Protein context (NP_005582.1, residues 219-239): NRSKHGSTNF[Ile229Val]PEQFLDDFID

ClinVar aggregate classification (germline): Uncertain significance (1 of 4 stars; one submission).

Conditions:
Hereditary cancer-predisposing syndrome. Also called: Tumor predisposition; Neoplastic Syndromes, Hereditary; Hereditary Cancer Syndrome; Hereditary neoplastic syndrome. Identifiers: Orphanet 140162, MedGen C0027672, MeSH D009386, MONDO:0015356.

Submission:

Ambry Genetics
Classification: Uncertain significance for Hereditary cancer-predisposing syndrome. Last evaluated: 2025-03-01. Review status: criteria provided, single submitter. Criteria: Ambry Variant Classification Scheme 2023. Collection method: clinical testing. Allele origin: germline.
Comment: The p.I229V variant (also known as c.685A>G), located in coding exon 7 of the MRE11A gene, results from an A to G substitution at nucleotide position 685. The isoleucine at codon 229 is replaced by valine, an amino acid with highly similar properties. This amino acid position is conserved. In addition, the in silico prediction for this alteration is inconclusive. Based on the available evidence, the clinical significance of this variant remains unclear.